The following is an entry in ClinVar:

ClinVar aggregate classification (germline): Uncertain significance (1 of 4 stars; one submission).

Allele frequency attached by ClinVar (database versions not stated): gnomAD 0.00001; gnomAD exomes 0.00001; TOPMed 0.00001.
gnomAD v4.1: 12 of 1,611,750 alleles (0.00074%); highest among the groups gnomAD compares: Non-Finnish European, 0.001%; no homozygotes.

Submission:

Labcorp Genetics (formerly Invitae), Labcorp
Classification: Uncertain significance. Last evaluated: 2023-05-02. Review status: criteria provided, single submitter. Criteria: Invitae Variant Classification Sherloc (09022015). Collection method: clinical testing. Allele origin: germline.
Comment: In summary, the available evidence is currently insufficient to determine the role of this variant in disease. Therefore, it has been classified as a Variant of Uncertain Significance. Algorithms developed to predict the effect of sequence changes on RNA splicing suggest that this variant may disrupt the consensus splice site. This variant has not been reported in the literature in individuals affected with LPIN1-related conditions. This variant is present in population databases (no rsID available, gnomAD 0.002%). This sequence change affects codon 810 of the LPIN1 mRNA. It is a 'silent' change, meaning that it does not change the encoded amino acid sequence of the LPIN1 protein.

NM_001349206.2(LPIN1):c.2538A>G (p.Gln846=)

Gene: LPIN1 (lipin 1; plus strand). Cytogenetic location: 2p25.1.
Variant type: single nucleotide variant.
Coding change: c.2538A>G on transcript NM_001349206.2 (MANE Select); coding-DNA position 2538, A replaced by G.
Protein change: p.Gln846=; no amino-acid change (glutamine 846 retained).
Molecular consequence: synonymous variant. On other transcripts: non-coding transcript variant (1).
Genome position (GRCh38, 1-based): chr2:11,820,431, A>G. VCF-style: chr2-11820431-A-G. GRCh37 (hg19) VCF-style: chr2-11960557-A-G.
Other names: c.2448A>G, p.Gln816= (NM_001261427.3); c.2685A>G, p.Gln895= (NM_001261428.3); c.2430A>G, p.Gln810= (NM_001349199.2, NM_145693.4); c.2508A>G, p.Gln836= (NM_001349200.2, NM_001349201.2); c.2535A>G, p.Gln845= (NM_001349202.2, NM_001349203.2); c.2538A>G, p.Gln846= (NM_001349204.2, NM_001349205.2); c.2628A>G, p.Gln876= (NM_001349207.2); c.2577A>G, p.Gln859= (NM_001349208.2).
Identifiers: ClinVar variation 2906594 (VCV002906594.2), dbSNP rs1286537810, ClinGen allele CA424857854.